The following is an entry in ClinVar:

ClinVar aggregate classification (germline): Uncertain significance (1 of 4 stars; one submission).

Submission:

Labcorp Genetics (formerly Invitae), Labcorp
Classification: Uncertain significance. Last evaluated: 2022-12-23. Review status: criteria provided, single submitter. Criteria: Invitae Variant Classification Sherloc (09022015). Collection method: clinical testing. Allele origin: unknown.
Comment: In summary, the available evidence is currently insufficient to determine the role of this variant in disease. Therefore, it has been classified as a Variant of Uncertain Significance. Experimental studies and prediction algorithms are not available or were not evaluated, and the functional significance of this variant is currently unknown. This variant has not been reported in the literature in individuals affected with CPLX1-related conditions. This variant is a gross deletion of the genomic region encompassing exon(s) 1-2 of the CPLX1 gene, which includes the initiator codon. This deletion extends beyond the assayed region for this gene and therefore may encompass additional genes. It is expected to result in an absent or disrupted protein product. However, the current clinical and genetic evidence is not sufficient to establish whether loss-of-function variants in CPLX1 cause disease.

NC_000004.11:g.(?_818260)_(1020391_?)del

Genes: CPLX1 (complexin 1; minus strand), DGKQ (diacylglycerol kinase theta; minus strand), FGFRL1 (fibroblast growth factor receptor like 1; plus strand), GAK (cyclin G associated kinase; minus strand), IDUA (alpha-L-iduronidase; plus strand) and 2 more. Cytogenetic location: 4p16.3.
Variant type: Deletion.
Identifiers: ClinVar variation 3246746 (VCV003246746.1).